The following is an entry in ClinVar:

ClinVar aggregate classification (germline): Pathogenic (1 of 4 stars; one submission).

Conditions:
Hyperkalemic periodic paralysis. Also called: Familial hyperkalemic periodic paralysis; Gamstorp disease. Identifiers: Orphanet 682, MedGen C0238357, MONDO:0008224, OMIM 170500, HP:0007215.

Submission:

Labcorp Genetics (formerly Invitae), Labcorp
Classification: Pathogenic for Hyperkalemic periodic paralysis. Last evaluated: 2022-07-17. Review status: criteria provided, single submitter. Criteria: Invitae Variant Classification Sherloc (09022015). Collection method: clinical testing. Allele origin: germline.
Comment: For these reasons, this variant has been classified as Pathogenic. This variant has not been reported in the literature in individuals affected with SCN4A-related conditions. This variant is not present in population databases (gnomAD no frequency). This sequence change creates a premature translational stop signal (p.Tyr635*) in the SCN4A gene. It is expected to result in an absent or disrupted protein product. Loss-of-function variants in SCN4A are known to be pathogenic (PMID: 26700687).

Literature cited by the submitters: PubMed 26700687.

NM_000334.4(SCN4A):c.1905C>A (p.Tyr635Ter)

Gene: SCN4A (sodium voltage-gated channel alpha subunit 4; minus strand). Cytogenetic location: 17q23.3.
Variant type: single nucleotide variant.
Coding change: c.1905C>A on transcript NM_000334.4 (MANE Select); coding-DNA position 1905, C replaced by A.
Protein change: p.Tyr635Ter; replaces tyrosine 635 with a stop codon.
Molecular consequence: nonsense.
Genome position (GRCh38, 1-based): chr17:63,959,379, G>T on the plus strand (C>A on the coding strand, the complement: SCN4A is on the minus strand). VCF-style: chr17-63959379-G-T. GRCh37 (hg19) VCF-style: chr17-62036739-G-T.
Other names: short protein forms Y635*.
Identifiers: ClinVar variation 2017990 (VCV002017990.4), dbSNP rs774304336, ClinGen allele CA400632158.